The following is an entry in ClinVar:

ClinVar aggregate classification (germline): Pathogenic. Review status: criteria provided, multiple submitters, no conflicts (2 of 4 stars). 2 submissions from 2 submitters: Pathogenic (2). Last evaluated 2024-11-18.

Conditions:
Severe myoclonic epilepsy in infancy (DRVT). Also called: Dravet syndrome; Epileptic encephalopathy, early infantile, 6 (Dravet syndrome); SEVERE MYOCLONIC EPILEPSY OF INFANCY; DEVELOPMENTAL AND EPILEPTIC ENCEPHALOPATHY 6A; Severe Myoclonic Epilepsy in Infancy (SMEI). Identifiers: Orphanet 33069, MedGen C0751122, MONDO:0100135, OMIM 607208.
SCN1A Seizure Disorders. Identifiers: MedGen CN381098.

Submissions (2):

Servicio de Genética Del Instituto Nacional de Salud Del Niño, Ministerio de Salud
Classification: Pathogenic for SCN1A Seizure Disorders. Last evaluated: 2024-11-18. Review status: criteria provided, single submitter. Criteria: ACMG Guidelines, 2015. Collection method: clinical testing. Allele origin: germline. Inheritance: Autosomal dominant inheritance. Affected: yes.
Comment: The variant NM_001353961.2:c.-1731del (p.Gly232Alafs*2) results in a frameshift and a premature stop codon, predicted to cause either nonsense-mediated decay (NMD) or a truncated protein. According to ACMG/AMP guidelines, the variant meets the criteria for PVS1, PM2, and PP5, supporting its classification as pathogenic.

Mendelics
Classification: Pathogenic for Severe myoclonic epilepsy in infancy. Last evaluated: 2019-05-28. Review status: criteria provided, single submitter. Criteria: Mendelics Assertion Criteria 2017. Collection method: clinical testing. Allele origin: unknown.

NM_001353961.2(SCN1A):c.-1731del

Gene: SCN1A (sodium voltage-gated channel alpha subunit 1; minus strand). Cytogenetic location: 2q24.3.
Variant type: Deletion.
Coding change: c.-1731del on transcript NM_001353961.2; 1731 bases upstream of the start codon, one base deleted (G; older notation c.-1731delG).
Molecular consequence: splice acceptor variant.
Genome position (GRCh38, 1-based): chr2:166,051,988, C deleted on the plus strand (G on the coding strand, the reverse complement: SCN1A is on the minus strand); the first of 2 consecutive C bases (chr2:166,051,988-166,051,989); deleting either gives the same sequence. VCF-style (leftmost placement, unchanged base first): chr2-166051987-GC-G. GRCh37 (hg19) VCF-style: chr2-166908497-GC-G.
Identifiers: ClinVar variation 801818 (VCV000801818.2), dbSNP rs1574266816, ClinGen allele CA915942928.